The following is an entry in ClinVar:

NM_138713.4(NFAT5):c.4467G>A (p.Met1489Ile)

Gene: NFAT5 (nuclear factor of activated T cells 5; plus strand). Cytogenetic location: 16q22.1.
Variant type: single nucleotide variant.
Coding change: c.4467G>A on transcript NM_138713.4 (MANE Select); coding-DNA position 4467, G replaced by A.
Protein change: p.Met1489Ile; replaces methionine 1489 with isoleucine.
Molecular consequence: missense variant.
Genome position (GRCh38, 1-based): chr16:69,695,188, G>A. VCF-style: chr16-69695188-G-A. GRCh37 (hg19) VCF-style: chr16-69729091-G-A.
Other names: c.4464G>A, p.Met1488Ile (NM_001113178.3); c.3792G>A, p.Met1264Ile (NM_001367709.1); c.4413G>A, p.Met1471Ile (NM_006599.4); c.4185G>A, p.Met1395Ile (NM_138714.4, NM_173214.3, NM_173215.3); short protein forms M1264I, M1395I, M1471I, M1488I, M1489I.
Identifiers: ClinVar variation 1004545 (VCV001004545.8), dbSNP rs2037718619, ClinGen allele CA396515879.
Genomic context (GRCh38, chr16:69,695,188, plus strand): 5'-CTCTGCAGACTGTAGTCAGCTTTTAACCTCTGGACCAGCTACATTGCCTGATCAGTTGAT[G>A]GCCATAAGTCAGCCAGGCCAACCACAAAACGAGGGCCAGCCACCTGTGACAACACTTCTT-3'
Protein context (NP_619727.2, residues 1479-1499): SGPATLPDQL[Met1489Ile]AISQPGQPQN

ClinVar aggregate classification (germline): Uncertain significance (1 of 4 stars; one submission).

Conditions:
Immunodeficiency. Identifiers: MedGen C0021051, MONDO:0021094, HP:0002721.

Allele frequency attached by ClinVar (database versions not stated): TOPMed below 0.00001.

Submission:

Labcorp Genetics (formerly Invitae), Labcorp
Classification: Uncertain significance for Immunodeficiency. Last evaluated: 2020-02-26. Review status: criteria provided, single submitter. Criteria: Invitae Variant Classification Sherloc (09022015). Collection method: clinical testing. Allele origin: germline.
Comment: This sequence change replaces methionine with isoleucine at codon 1395 of the NFAT5 protein (p.Met1395Ile). The methionine residue is moderately conserved and there is a small physicochemical difference between methionine and isoleucine. This variant is not present in population databases (ExAC no frequency). This variant has not been reported in the literature in individuals with NFAT5-related conditions. Algorithms developed to predict the effect of missense changes on protein structure and function (SIFT, PolyPhen-2, Align-GVGD) all suggest that this variant is likely to be tolerated, but these predictions have not been confirmed by published functional studies and their clinical significance is uncertain. In summary, the available evidence is currently insufficient to determine the role of this variant in disease. Therefore, it has been classified as a Variant of Uncertain Significance.